The following is an entry in ClinVar:

ClinVar aggregate classification (germline): Pathogenic (1 of 4 stars; one submission).

Submission:

Labcorp Genetics (formerly Invitae), Labcorp
Classification: Pathogenic. Last evaluated: 2025-05-11. Review status: criteria provided, single submitter. Criteria: Invitae Variant Classification Sherloc (09022015). Collection method: clinical testing. Allele origin: germline.
Comment: This sequence change creates a premature translational stop signal (p.Gln989*) in the C3 gene. It is expected to result in an absent or disrupted protein product. Loss-of-function variants in C3 are known to be pathogenic (PMID: 12462331, 14639503, 21501302). This variant is not present in population databases (gnomAD no frequency). This variant has not been reported in the literature in individuals affected with C3-related conditions. ClinVar contains an entry for this variant (Variation ID: 2850008). For these reasons, this variant has been classified as Pathogenic.

Literature cited by the submitters: PubMed 12462331; PubMed 14639503; PubMed 21501302.

NM_000064.4(C3):c.2965C>T (p.Gln989Ter)

Gene: C3 (complement C3; minus strand). Cytogenetic location: 19p13.3.
Variant type: single nucleotide variant.
Coding change: c.2965C>T on transcript NM_000064.4 (MANE Select); coding-DNA position 2965, C replaced by T.
Protein change: p.Gln989Ter; replaces glutamine 989 with a stop codon.
Molecular consequence: nonsense.
Genome position (GRCh38, 1-based): chr19:6,694,620, G>A on the plus strand (C>T on the coding strand, the complement: C3 is on the minus strand). VCF-style: chr19-6694620-G-A. GRCh37 (hg19) VCF-style: chr19-6694631-G-A.
Other names: short protein forms Q989*.
Identifiers: ClinVar variation 2850008 (VCV002850008.3), dbSNP rs1179773177, ClinGen allele CA403629837.